The following is an entry in ClinVar:

ClinVar aggregate classification (germline): Uncertain significance (1 of 4 stars; one submission).

Submission:

GeneDx
Classification: Uncertain significance. Last evaluated: 2026-03-26. Review status: criteria provided, single submitter. Criteria: GeneDx Variant Classification Process June 2021. Collection method: clinical testing. Allele origin: germline.
Comment: Not observed at significant frequency in large population cohorts (gnomAD); In silico analysis supports that this missense variant has a deleterious effect on protein structure/function; Has not been previously published as pathogenic or benign to our knowledge

NM_001374828.1(ARID1B):c.7061T>G (p.Leu2354Arg)

Gene: ARID1B (AT-rich interaction domain 1B; plus strand). Cytogenetic location: 6q25.3.
Variant type: single nucleotide variant.
Coding change: c.7061T>G on transcript NM_001374828.1 (MANE Select); coding-DNA position 7061, T replaced by G.
Protein change: p.Leu2354Arg; replaces leucine 2354 with arginine.
Molecular consequence: missense variant.
Genome position (GRCh38, 1-based): chr6:157,207,833, T>G. VCF-style: chr6-157207833-T-G. GRCh37 (hg19) VCF-style: chr6-157528967-T-G.
Other names: c.4562T>G, p.Leu1521Arg (NM_001363725.2); c.6941T>G, p.Leu2314Arg (NM_001371656.1, NM_001374820.1); c.7190T>G, p.Leu2397Arg (NM_001438482.1); c.7103T>G, p.Leu2368Arg (NM_001438483.1); c.6971T>G, p.Leu2324Arg (NM_001438485.1); c.6944T>G, p.Leu2315Arg (NM_001438486.1); c.6881T>G, p.Leu2294Arg (NM_001438487.1); c.4403T>G, p.Leu1468Arg (NM_001438488.1); and 1 more; short protein forms L1468R, L1521R, L2294R, L2301R, L2314R, L2315R, L2324R, L2354R.
Identifiers: ClinVar variation 5017521 (VCV005017521.1).